The following is an entry in ClinVar:

ClinVar aggregate classification (germline): Uncertain significance (1 of 4 stars; one submission).

Conditions:
Hereditary nonpolyposis colorectal neoplasms. Identifiers: MedGen C0009405, MeSH D003123.

Submission:

Labcorp Genetics (formerly Invitae), Labcorp
Classification: Uncertain significance for Hereditary nonpolyposis colon cancer. Last evaluated: 2019-10-02. Review status: criteria provided, single submitter. Criteria: Invitae Variant Classification Sherloc (09022015). Collection method: clinical testing. Allele origin: germline.
Comment: This variant results in a copy number gain of the genomic region encompassing exons 1-3 of the MSH6 gene, which includes the initiator codon. The 5' end of this event is unknown as it extends beyond the assayed region for this gene and therefore may encompass additional genes. The 3' boundary is likely confined to intron 3 of the MSH6 gene. As the precise location of this event is unknown, it may be in tandem or it may be located elsewhere in the genome. This variant has not been reported in the literature in individuals with MSH6-related conditions. Experimental studies and prediction algorithms are not available or were not evaluated, and the functional significance of this variant is currently unknown. In summary, the available evidence is currently insufficient to determine the role of this variant in disease. Therefore, it has been classified as a Variant of Uncertain Significance.

NC_000002.12:g.(?_47783234)_(47796073_?)dup

Gene: MSH6 (mutS homolog 6; plus strand). Cytogenetic location: 2p16.3.
Variant type: Duplication.
Identifiers: ClinVar variation 832730 (VCV000832730.1).